The following is an entry in ClinVar:

ClinVar aggregate classification (germline): Likely benign. Review status: criteria provided, single submitter (1 of 4 stars). 2 submissions from 2 submitters: Likely benign (1). 1 of the submissions does not count toward it. Last evaluated 2022-09-27.

Conditions:
PIEZO1-related disorder. Also called: PIEZO1-related condition; PIEZO1-Related Disorders.

Allele frequency attached by ClinVar (database versions not stated): ExAC 0.00011.
gnomAD v4.1: 43 of 1,549,982 alleles (0.0028%); highest among the groups gnomAD compares: African/African-American, 0.03%; no homozygotes.

Submissions (2):

Blueprint Genetics
Classification: Likely benign. Last evaluated: 2022-09-27. Review status: criteria provided, single submitter. Criteria: ACMG Guidelines, 2015. Collection method: clinical testing. Allele origin: germline.

PreventionGenetics, part of Exact Sciences
Classification: Likely benign for PIEZO1-related condition. Last evaluated: 2021-06-09. Review status: no assertion criteria provided. Collection method: clinical testing. Allele origin: germline. Not counted in ClinVar's aggregate classification.
Comment: This variant is classified as likely benign based on ACMG/AMP sequence variant interpretation guidelines (Richards et al. 2015 PMID: 25741868, with internal and published modifications).

NM_001142864.4(PIEZO1):c.3936C>T (p.Ala1312=)

Gene: PIEZO1 (piezo type mechanosensitive ion channel component 1 (Er blood group); minus strand). Cytogenetic location: 16q24.3.
Variant type: single nucleotide variant.
Coding change: c.3936C>T on transcript NM_001142864.4 (MANE Select); coding-DNA position 3936, C replaced by T.
Protein change: p.Ala1312=; no amino-acid change (alanine 1312 retained).
Molecular consequence: synonymous variant.
Genome position (GRCh38, 1-based): chr16:88,726,316, G>A on the plus strand (C>T on the coding strand, the complement: PIEZO1 is on the minus strand). VCF-style: chr16-88726316-G-A. GRCh37 (hg19) VCF-style: chr16-88792724-G-A.
Other names: c.2478C>T, p.Ala826= (NM_014745.1).
Identifiers: ClinVar variation 3032264 (VCV003032264.3), dbSNP rs372171772, ClinGen allele CA8232305.